The following is an entry in ClinVar:

NM_004618.5(TOP3A):c.2945G>A (p.Arg982Gln)

Gene: TOP3A (DNA topoisomerase III alpha; minus strand). Cytogenetic location: 17p11.2.
Variant type: single nucleotide variant.
Coding change: c.2945G>A on transcript NM_004618.5 (MANE Select); coding-DNA position 2945, G replaced by A.
Protein change: p.Arg982Gln; replaces arginine 982 with glutamine.
Molecular consequence: missense variant.
Genome position (GRCh38, 1-based): chr17:18,274,863, C>T on the plus strand (G>A on the coding strand, the complement: TOP3A is on the minus strand). VCF-style: chr17-18274863-C-T. GRCh37 (hg19) VCF-style: chr17-18178177-C-T.
Other names: c.2660G>A, p.Arg887Gln (NM_001320759.2); c.2945G>A (NM_004618.3); short protein forms R982Q, R887Q.
Identifiers: ClinVar variation 2766034 (VCV002766034.3), dbSNP rs765404592, ClinGen allele CA8429478.

ClinVar aggregate classification (germline): Uncertain significance. Review status: criteria provided, multiple submitters, no conflicts (2 of 4 stars). 2 submissions from 2 submitters: Uncertain significance (2). Last evaluated 2025-07-01.

Conditions:
Inborn genetic diseases. Identifiers: MedGen C0950123, MeSH D030342.

Allele frequency attached by ClinVar (database versions not stated): gnomAD exomes 0.00005; TOPMed 0.00008; ExAC 0.00015.
gnomAD v4.1: 69 of 1,614,152 alleles (0.0043%); highest among the groups gnomAD compares: Admixed American, 0.045%; no homozygotes.

Submissions (2):

Ambry Genetics
Classification: Uncertain significance for Inborn genetic diseases. Last evaluated: 2025-07-01. Review status: criteria provided, single submitter. Criteria: Ambry Variant Classification Scheme 2023. Collection method: clinical testing. Allele origin: germline.

Labcorp Genetics (formerly Invitae), Labcorp
Classification: Uncertain significance. Last evaluated: 2023-12-30. Review status: criteria provided, single submitter. Criteria: Invitae Variant Classification Sherloc (09022015). Collection method: clinical testing. Allele origin: germline.
Comment: This sequence change replaces arginine, which is basic and polar, with glutamine, which is neutral and polar, at codon 982 of the TOP3A protein (p.Arg982Gln). This variant is present in population databases (rs765404592, gnomAD 0.06%). This variant has not been reported in the literature in individuals affected with TOP3A-related conditions. An algorithm developed to predict the effect of missense changes on protein structure and function (PolyPhen-2) suggests that this variant is likely to be disruptive. In summary, the available evidence is currently insufficient to determine the role of this variant in disease. Therefore, it has been classified as a Variant of Uncertain Significance.